The following is an entry in ClinVar:

NM_001039141.3(TRIOBP):c.2674C>G (p.Pro892Ala)

Gene: TRIOBP (TRIO and F-actin binding protein; plus strand). Cytogenetic location: 22q13.1.
Variant type: single nucleotide variant.
Coding change: c.2674C>G on transcript NM_001039141.3 (MANE Select); coding-DNA position 2674, C replaced by G.
Protein change: p.Pro892Ala; replaces proline 892 with alanine.
Molecular consequence: missense variant.
Genome position (GRCh38, 1-based): chr22:37,725,230, C>G. VCF-style: chr22-37725230-C-G. GRCh37 (hg19) VCF-style: chr22-38121237-C-G.
Other names: c.2674C>G (NM_001039141.2); short protein forms P892A.
Identifiers: ClinVar variation 1400518 (VCV001400518.5), dbSNP rs749092668, ClinGen allele CA10223935.
Genomic context (GRCh38, chr22:37,725,230, plus strand): 5'-TGCACCCAAAAGGAGAATCTGAGACCATCATCTCCCCACCGCTCCACTCAATGGAACAAT[C>G]CCAGGAATTCATCTCCCCATCGTACTAACAAAGACATCCCCTGGGCCTCGTTTCCCCTCC-3'
Protein context (NP_001034230.1, residues 882-902): SPHRSTQWNN[Pro892Ala]RNSSPHRTNK

ClinVar aggregate classification (germline): Uncertain significance. Review status: criteria provided, multiple submitters, no conflicts (2 of 4 stars). 3 submissions from 3 submitters: Uncertain significance (3). Last evaluated 2026-08-25.

Conditions:
Autosomal recessive nonsyndromic hearing loss 28. Identifiers: Orphanet 90636, MedGen C1853276, MONDO:0012355, OMIM 609823.

Allele frequency attached by ClinVar (database versions not stated): TOPMed 0.00003; gnomAD 0.00001; ExAC 0.00002.
gnomAD v4.1: 55 of 1,613,974 alleles (0.0034%); highest among the groups gnomAD compares: Non-Finnish European, 0.0044%; no homozygotes.

Submissions (3):

GeneDx
Classification: Uncertain significance. Last evaluated: 2026-08-25. Review status: criteria provided, single submitter. Criteria: GeneDx Variant Classification Process June 2021. Collection method: clinical testing. Allele origin: germline.
Comment: In silico analysis suggests that this missense variant does not alter protein structure/function; Has not been previously published as pathogenic or benign to our knowledge

Department of Pathology and Laboratory Medicine, Sinai Health System
Classification: Uncertain significance for Autosomal recessive nonsyndromic hearing loss 28. Last evaluated: 2022-11-21. Review status: criteria provided, single submitter. Criteria: ACMG Guidelines, 2015. Collection method: research. Allele origin: germline.

Labcorp Genetics (formerly Invitae), Labcorp
Classification: Uncertain significance. Last evaluated: 2021-11-26. Review status: criteria provided, single submitter. Criteria: Invitae Variant Classification Sherloc (09022015). Collection method: clinical testing. Allele origin: germline.
Comment: This sequence change replaces proline, which is neutral and non-polar, with alanine, which is neutral and non-polar, at codon 892 of the TRIOBP protein (p.Pro892Ala). This variant is present in population databases (rs749092668, gnomAD 0.009%). This variant has not been reported in the literature in individuals affected with TRIOBP-related conditions. Algorithms developed to predict the effect of missense changes on protein structure and function output the following: SIFT: "Tolerated"; PolyPhen-2: "Benign"; Align-GVGD: "Class C0". The alanine amino acid residue is found in multiple mammalian species, which suggests that this missense change does not adversely affect protein function. In summary, the available evidence is currently insufficient to determine the role of this variant in disease. Therefore, it has been classified as a Variant of Uncertain Significance.